The following is an entry in ClinVar:

ClinVar aggregate classification (germline): Uncertain significance (1 of 4 stars; one submission).

Conditions:
Inflammatory bowel disease 28. Also called: Inflammatory bowel disease 28, early onset, autosomal recessive. Identifiers: Orphanet 238569, MedGen C2751053, MONDO:0013153, OMIM 613148.

Allele frequency attached by ClinVar (database versions not stated): gnomAD 0.00001; gnomAD exomes 0.00001; TOPMed 0.00004.

Submission:

Labcorp Genetics (formerly Invitae), Labcorp
Classification: Uncertain significance for Inflammatory bowel disease 28. Last evaluated: 2022-02-02. Review status: criteria provided, single submitter. Criteria: Invitae Variant Classification Sherloc (09022015). Collection method: clinical testing. Allele origin: germline.
Comment: In summary, the available evidence is currently insufficient to determine the role of this variant in disease. Therefore, it has been classified as a Variant of Uncertain Significance. Algorithms developed to predict the effect of sequence changes on RNA splicing suggest that this variant may create or strengthen a splice site. Algorithms developed to predict the effect of missense changes on protein structure and function output the following: SIFT: "Tolerated"; PolyPhen-2: "Benign"; Align-GVGD: "Class C0". The lysine amino acid residue is found in multiple mammalian species, which suggests that this missense change does not adversely affect protein function. This variant has not been reported in the literature in individuals affected with IL10RA-related conditions. This variant is present in population databases (no rsID available, gnomAD 0.007%). This sequence change replaces asparagine, which is neutral and polar, with lysine, which is basic and polar, at codon 50 of the IL10RA protein (p.Asn50Lys).

NM_001558.4(IL10RA):c.150T>G (p.Asn50Lys)

Gene: IL10RA (interleukin 10 receptor subunit alpha; plus strand). Cytogenetic location: 11q23.3.
Variant type: single nucleotide variant.
Coding change: c.150T>G on transcript NM_001558.4 (MANE Select); coding-DNA position 150, T replaced by G.
Protein change: p.Asn50Lys; replaces asparagine 50 with lysine.
Molecular consequence: missense variant. On other transcripts: non-coding transcript variant (1).
Genome position (GRCh38, 1-based): chr11:117,988,464, T>G. VCF-style: chr11-117988464-T-G. GRCh37 (hg19) VCF-style: chr11-117859179-T-G.
Other names: short protein forms N50K.
Identifiers: ClinVar variation 1974610 (VCV001974610.5), dbSNP rs1041042952, ClinGen allele CA229440972.